The following is an entry in ClinVar:

NM_001330078.2(NRXN1):c.3020C>G (p.Thr1007Arg)

Gene: NRXN1 (neurexin 1; minus strand). Cytogenetic location: 2p16.3.
Variant type: single nucleotide variant.
Coding change: c.3020C>G on transcript NM_001330078.2 (MANE Select); coding-DNA position 3020, C replaced by G.
Protein change: p.Thr1007Arg; replaces threonine 1007 with arginine.
Molecular consequence: missense variant.
Genome position (GRCh38, 1-based): chr2:50,495,955, G>C on the plus strand (C>G on the coding strand, the complement: NRXN1 is on the minus strand). VCF-style: chr2-50495955-G-C. GRCh37 (hg19) VCF-style: chr2-50723093-G-C.
Other names: c.3140C>G, p.Thr1047Arg (NM_001135659.3); c.2996C>G, p.Thr999Arg (NM_001330077.2, NM_001330082.2); c.2954C>G, p.Thr985Arg (NM_001330083.2, NM_001330084.2); c.2993C>G, p.Thr998Arg (NM_001330085.2); c.3020C>G, p.Thr1007Arg (NM_001330086.2, NM_004801.6); c.2909C>G, p.Thr970Arg (NM_001330087.2, NM_001330096.2); c.2939C>G, p.Thr980Arg (NM_001330088.2); c.3017C>G, p.Thr1006Arg (NM_001330093.2); and 2 more; short protein forms T1003R, T1006R, T1007R, T1047R, T970R, T980R, T985R, T990R.
Identifiers: ClinVar variation 3627529 (VCV003627529.2).

ClinVar aggregate classification (germline): Uncertain significance (1 of 4 stars; one submission).

Conditions:
Pitt-Hopkins-like syndrome 2 (PTHSL2). Identifiers: Orphanet 221150, Orphanet 600663, MedGen C3280479, MONDO:0013690, OMIM 614325.

Submission:

Labcorp Genetics (formerly Invitae), Labcorp
Classification: Uncertain significance for Pitt-Hopkins-like syndrome 2. Last evaluated: 2025-01-21. Review status: criteria provided, single submitter. Criteria: Invitae Variant Classification Sherloc (09022015). Collection method: clinical testing. Allele origin: germline.
Comment: This sequence change replaces threonine, which is neutral and polar, with arginine, which is basic and polar, at codon 1047 of the NRXN1 protein (p.Thr1047Arg). This variant is not present in population databases (gnomAD no frequency). This variant has not been reported in the literature in individuals affected with NRXN1-related conditions. An algorithm developed to predict the effect of missense changes on protein structure and function (PolyPhen-2) suggests that this variant is likely to be tolerated. In summary, the available evidence is currently insufficient to determine the role of this variant in disease. Therefore, it has been classified as a Variant of Uncertain Significance.